The following is an entry in ClinVar:

NM_001033855.3(DCLRE1C):c.1733A>G (p.Tyr578Cys)

Gene: DCLRE1C (DNA cross-link repair 1C; minus strand). Cytogenetic location: 10p13.
Variant type: single nucleotide variant.
Coding change: c.1733A>G on transcript NM_001033855.3 (MANE Select); coding-DNA position 1733, A replaced by G.
Protein change: p.Tyr578Cys; replaces tyrosine 578 with cysteine.
Molecular consequence: missense variant. On other transcripts: non-coding transcript variant (4).
Genome position (GRCh38, 1-based): chr10:14,908,754, T>C on the plus strand (A>G on the coding strand, the complement: DCLRE1C is on the minus strand). VCF-style: chr10-14908754-T-C. GRCh37 (hg19) VCF-style: chr10-14950753-T-C.
Other names: c.1373A>G, p.Tyr458Cys (NM_001033857.3, NM_001033858.3, NM_001289077.2 and 2 more transcripts); c.1388A>G, p.Tyr463Cys (NM_001289076.2, NM_001289078.2, NM_001350966.2 and 1 more transcripts); c.1733A>G, p.Tyr578Cys (NM_001350965.2); short protein forms Y578C, Y458C, Y463C.
Identifiers: ClinVar variation 536365 (VCV000536365.8), dbSNP rs778823769, ClinGen allele CA5416421.
Genomic context (GRCh38, chr10:14,908,754, plus strand): 5'-GGGCAAATTACATTTTGTTCCATGAGAGAGGCAGGAATATTCTCTTTGATTGTTGGTCTG[T>C]AGTCAGCTTTGTCCAAGGAAGTAATATCCCCACTGTTTCTCTCTTGGGAAGATAACAAAA-3'
Protein context (NP_001029027.1, residues 568-588): GDITSLDKAD[Tyr578Cys]RPTIKENIPA

ClinVar aggregate classification (germline): Conflicting classifications of pathogenicity. Review status: criteria provided, conflicting classifications (1 of 4 stars). 3 submissions from 3 submitters: Uncertain significance (2); Likely benign (1). Last evaluated 2024-09-18.

Conditions:
Severe combined immunodeficiency due to DCLRE1C deficiency (RS-SCID). Also called: SCID, AUTOSOMAL RECESSIVE, T CELL-NEGATIVE, B CELL-NEGATIVE, NK CELL-POSITIVE, WITH SENSITIVITY TO IONIZING RADIATION. Identifiers: Orphanet 275, MedGen C1865371, MONDO:0011225, OMIM 602450.
Histiocytic medullary reticulosis. Also called: Omenn syndrome; SEVERE COMBINED IMMUNODEFICIENCY WITH HYPEREOSINOPHILIA. Identifiers: Orphanet 39041, MedGen C2700553, MONDO:0011338, OMIM 603554.

Allele frequency attached by ClinVar (database versions not stated): ExAC 0.00004; gnomAD exomes 0.00018 and 0.00004; TOPMed 0.00028; gnomAD 0.00033 and 0.00031.
gnomAD v4.1: 113 of 1,614,126 alleles (0.007%); highest among the groups gnomAD compares: Admixed American, 0.17%; 1 homozygote.

Submissions (3):

Blueprint Genetics
Classification: Likely benign. Last evaluated: 2024-09-18. Review status: criteria provided, single submitter. Criteria: ACMG Guidelines, 2015. Collection method: clinical testing. Allele origin: germline.

Labcorp Genetics (formerly Invitae), Labcorp
Classification: Uncertain significance for Athabaskan severe combined immunodeficiency. Last evaluated: 2022-09-01. Review status: criteria provided, single submitter. Criteria: Invitae Variant Classification Sherloc (09022015). Collection method: clinical testing. Allele origin: germline.
Comment: This sequence change replaces tyrosine, which is neutral and polar, with cysteine, which is neutral and slightly polar, at codon 578 of the DCLRE1C protein (p.Tyr578Cys). This variant is present in population databases (rs778823769, gnomAD 0.1%). This variant has not been reported in the literature in individuals affected with DCLRE1C-related conditions. ClinVar contains an entry for this variant (Variation ID: 536365). Algorithms developed to predict the effect of missense changes on protein structure and function output the following: SIFT: "Tolerated"; PolyPhen-2: "Benign"; Align-GVGD: "Class C0". The cysteine amino acid residue is found in multiple mammalian species, which suggests that this missense change does not adversely affect protein function. In summary, the available evidence is currently insufficient to determine the role of this variant in disease. Therefore, it has been classified as a Variant of Uncertain Significance.

Center for Genomics, Ann and Robert H. Lurie Children's Hospital of Chicago
Classification: Uncertain significance for Severe combined immunodeficiency due to DCLRE1C deficiency; Histiocytic medullary reticulosis. Review status: criteria provided, single submitter. Criteria: ACMG Guidelines, 2015. Collection method: clinical testing. Allele origin: germline.
Comment: DCLRE1C NM_001033855.2 exon14 p.Tyr578Cys (c.1733A>G): This variant has not been reported in the literature but is present in 0.1% (47/35438) of Latino alleles in the Genome Aggregation Database. This variant is present in ClinVar (Variation ID:536365). This variant amino acid Cysteine (Cys) is present in several species and is not well conserved among evolutionarily distant species; this suggests that this variant may not impact the protein. Additional computational prediction tools do not suggest an impact. In summary, data on this variant is insufficient for disease classification. Therefore, the clinical significance of this variant is uncertain.